The following is an entry in ClinVar:

ClinVar aggregate classification (germline): Uncertain significance. Review status: criteria provided, multiple submitters, no conflicts (2 of 4 stars). 2 submissions from 2 submitters: Uncertain significance (2). Last evaluated 2026-02-05.

Conditions:
CREBBP-related disorder. Also called: CREBBP-related condition; CREBBP-related disorders.

Submissions (2):

GeneDx
Classification: Uncertain significance. Last evaluated: 2026-02-05. Review status: criteria provided, single submitter. Criteria: GeneDx Variant Classification Process June 2021. Collection method: clinical testing. Allele origin: germline.
Comment: Not observed at significant frequency in large population cohorts (gnomAD); In silico analysis supports that this missense variant has a deleterious effect on protein structure/function; Has not been previously published as pathogenic or benign to our knowledge

PreventionGenetics, part of Exact Sciences
Classification: Uncertain significance for CREBBP-related condition. Last evaluated: 2025-11-18. Review status: criteria provided, single submitter. Criteria: ACMG Guidelines, 2015. Collection method: clinical testing. Allele origin: germline.
Comment: The CREBBP c.2549A>C variant is predicted to result in the amino acid substitution p.Gln850Pro. To our knowledge, this variant has not been reported in the literature or in a large population database (gnomAD), indicating this variant is rare. At this time, the clinical significance of this variant is uncertain due to the absence of conclusive functional and genetic evidence.

NM_004380.3(CREBBP):c.2549A>C (p.Gln850Pro)

Gene: CREBBP (CREB binding lysine acetyltransferase; minus strand). Cytogenetic location: 16p13.3.
Variant type: single nucleotide variant.
Coding change: c.2549A>C on transcript NM_004380.3 (MANE Select); coding-DNA position 2549, A replaced by C.
Protein change: p.Gln850Pro; replaces glutamine 850 with proline.
Molecular consequence: missense variant.
Genome position (GRCh38, 1-based): chr16:3,770,901, T>G on the plus strand (A>C on the coding strand, the complement: CREBBP is on the minus strand). VCF-style: chr16-3770901-T-G. GRCh37 (hg19) VCF-style: chr16-3820902-T-G.
Other names: c.2435A>C, p.Gln812Pro (NM_001079846.1); short protein forms Q812P, Q850P.
Identifiers: ClinVar variation 4976090 (VCV004976090.2).